The following is an entry in ClinVar:

NM_001111125.3(IQSEC2):c.641G>A (p.Ser214Asn)

Gene: IQSEC2 (IQ motif and Sec7 domain ArfGEF 2; minus strand). Cytogenetic location: Xp11.22.
Variant type: single nucleotide variant.
Coding change: c.641G>A on transcript NM_001111125.3 (MANE Select); coding-DNA position 641, G replaced by A.
Protein change: p.Ser214Asn; replaces serine 214 with asparagine.
Molecular consequence: missense variant.
Genome position (GRCh38, 1-based): chrX:53,320,483, C>T on the plus strand (G>A on the coding strand, the complement: IQSEC2 is on the minus strand). VCF-style: chrX-53320483-C-T. GRCh37 (hg19) VCF-style: chrX-53349681-C-T.
Other names: c.641G>A (NM_001111125.1); c.641G>A, p.Ser214Asn (NM_001410736.1); short protein forms S214N.
Identifiers: ClinVar variation 2785637 (VCV002785637.4), dbSNP rs1440029473, ClinGen allele CA413238916.

ClinVar aggregate classification (germline): Uncertain significance. Review status: criteria provided, multiple submitters, no conflicts (2 of 4 stars). 2 submissions from 2 submitters: Uncertain significance (2). Last evaluated 2024-05-23.

Conditions:
Intellectual developmental disorder, X-linked 1. Also called: Atkin Flaitz Patil Smith syndrome; Intellectual disability, X-linked 1; MENTAL RETARDATION, X-LINKED 18; MENTAL RETARDATION, X-LINKED 78. Identifiers: Orphanet 777, MedGen C2931498, MONDO:0010656, OMIM 309530.

Allele frequency attached by ClinVar (database versions not stated): TOPMed below 0.00001; gnomAD 0.00001.
gnomAD v4.1: 6 of 1,164,057 alleles (0.00052%); highest among the groups gnomAD compares: Non-Finnish European, 0.00069%; no homozygotes.

Submissions (2):

GeneDx
Classification: Uncertain significance. Last evaluated: 2024-05-23. Review status: criteria provided, single submitter. Criteria: GeneDx Variant Classification Process June 2021. Collection method: clinical testing. Allele origin: germline. Affected: yes.
Comment: Not observed at significant frequency in large population cohorts (gnomAD); In silico analysis indicates that this missense variant does not alter protein structure/function; Has not been previously published as pathogenic or benign to our knowledge

Labcorp Genetics (formerly Invitae), Labcorp
Classification: Uncertain significance for Intellectual developmental disorder, X-linked 1. Last evaluated: 2024-01-27. Review status: criteria provided, single submitter. Criteria: Invitae Variant Classification Sherloc (09022015). Collection method: clinical testing. Allele origin: germline.
Comment: This sequence change replaces serine, which is neutral and polar, with asparagine, which is neutral and polar, at codon 214 of the IQSEC2 protein (p.Ser214Asn). This variant is not present in population databases (gnomAD no frequency). This variant has not been reported in the literature in individuals affected with IQSEC2-related conditions. Advanced modeling of protein sequence and biophysical properties (such as structural, functional, and spatial information, amino acid conservation, physicochemical variation, residue mobility, and thermodynamic stability) performed at Invitae indicates that this missense variant is not expected to disrupt IQSEC2 protein function with a negative predictive value of 95%. In summary, the available evidence is currently insufficient to determine the role of this variant in disease. Therefore, it has been classified as a Variant of Uncertain Significance.